The following is an entry in ClinVar:

NM_001267550.2(TTN):c.6866T>G (p.Ile2289Ser)

Genes: TTN (titin; minus strand), LOC126806433 (BRD4-independent group 4 enhancer GRCh37_chr2:179638309-179639508; plus strand). Cytogenetic location: 2q31.2.
Variant type: single nucleotide variant.
Coding change: c.6866T>G on transcript NM_001267550.2 (MANE Select); coding-DNA position 6866, T replaced by G.
Protein change: p.Ile2289Ser; replaces isoleucine 2289 with serine.
Molecular consequence: missense variant.
Genome position (GRCh38, 1-based): chr2:178,774,398, A>C on the plus strand (T>G on the coding strand, the complement: TTN is on the minus strand). VCF-style: chr2-178774398-A-C. GRCh37 (hg19) VCF-style: chr2-179639125-A-C.
Other names: c.6866T>G (NM_001267550.1); c.6866T>G, p.Ile2289Ser (NM_001256850.1, NM_133378.4, NM_133379.5); c.6728T>G, p.Ile2243Ser (NM_003319.4, NM_133432.3, NM_133437.4); short protein forms I2289S, I2243S.
Identifiers: ClinVar variation 809100 (VCV000809100.43), dbSNP rs200440412, ClinGen allele CA2004946.

ClinVar aggregate classification (germline): Uncertain significance. Review status: criteria provided, multiple submitters, no conflicts (2 of 4 stars). 2 submissions from 2 submitters: Uncertain significance (2). Last evaluated 2023-01-04.

Allele frequency attached by ClinVar (database versions not stated): gnomAD exomes 0.00001 and 0.00002; ExAC 0.00002; ESP Exome Variant Server 0.00008.
gnomAD v4.1: 38 of 1,613,938 alleles (0.0024%); highest among the groups gnomAD compares: Non-Finnish European, 0.003%; no homozygotes.

Submissions (2):

Athena Diagnostics
Classification: Uncertain significance. Last evaluated: 2023-01-04. Review status: criteria provided, single submitter. Criteria: Athena Diagnostics Criteria. Collection method: clinical testing. Allele origin: unknown.
Comment: Available data are insufficient to determine the clinical significance of the variant at this time. The frequency of this variant in the general population is uninformative in assessment of its pathogenicity. Computational tools predict that this variant is not damaging.

CeGaT Center for Human Genetics Tuebingen
Classification: Uncertain significance. Last evaluated: 2017-05-01. Review status: criteria provided, single submitter. Criteria: CeGaT Center For Human Genetics Tuebingen Variant Classification Criteria Version 2. Collection method: clinical testing. Allele origin: germline. Affected: yes. Observed: 1 variant allele.